The following is an entry in ClinVar:

NM_000138.5(FBN1):c.8072G>A (p.Gly2691Asp)

Gene: FBN1 (fibrillin 1; minus strand). Cytogenetic location: 15q21.1.
Variant type: single nucleotide variant.
Coding change: c.8072G>A on transcript NM_000138.5 (MANE Select); coding-DNA position 8072, G replaced by A.
Protein change: p.Gly2691Asp; replaces glycine 2691 with aspartic acid.
Molecular consequence: missense variant.
Genome position (GRCh38, 1-based): chr15:48,412,723, C>T on the plus strand (G>A on the coding strand, the complement: FBN1 is on the minus strand). VCF-style: chr15-48412723-C-T. GRCh37 (hg19) VCF-style: chr15-48704920-C-T.
Other names: c.8072G>A, p.Gly2691Asp (NM_001406716.1); short protein forms G2691D.
Identifiers: ClinVar variation 3251624 (VCV003251624.1), dbSNP rs2042873732.

ClinVar aggregate classification (germline): Uncertain significance (1 of 4 stars; one submission).

Allele frequency attached by ClinVar (database versions not stated): TOPMed below 0.00001.

Submission:

Women's Health and Genetics/Laboratory Corporation of America, LabCorp
Classification: Uncertain significance. Last evaluated: 2024-04-01. Review status: criteria provided, single submitter. Criteria: LabCorp Variant Classification Summary - May 2015. Collection method: clinical testing. Allele origin: germline.
Comment: Variant summary: FBN1 c.8072G>A (p.Gly2691Asp) results in a non-conservative amino acid change in the encoded protein sequence. Five of five in-silico tools predict a damaging effect of the variant on protein function. The variant was absent in 251368 control chromosomes. The available data on variant occurrences in the general population are insufficient to allow any conclusion about variant significance. To our knowledge, no occurrence of c.8072G>A in individuals affected with Aortopathy and no experimental evidence demonstrating its impact on protein function have been reported. No submitters have cited clinical-significance assessments for this variant to ClinVar. Based on the evidence outlined above, the variant was classified as uncertain significance.